The following is an entry in ClinVar:

ClinVar aggregate classification (germline): Benign. Review status: criteria provided, multiple submitters, no conflicts (2 of 4 stars). 6 submissions from 6 submitters: Benign (5). 1 of the submissions does not count toward it. Last evaluated 2026-02-04.

Conditions:
Spondylocostal dysostosis 2, autosomal recessive (SCDO2). Also called: MESP2-Related Spondylocostal Dysostosis, Autosomal Recessive; Spondylocostal dysostosis type 2. Identifiers: Orphanet 2311, MedGen C1837549, MONDO:0012097, OMIM 608681.

Allele frequency attached by ClinVar (database versions not stated): gnomAD 0.06173 and 0.06491; ESP Exome Variant Server 0.06187; TOPMed 0.06912; 1000 Genomes Project 0.07847; 1000 Genomes Project 30x 0.08214.

Submissions (6):

Labcorp Genetics (formerly Invitae), Labcorp
Classification: Benign. Last evaluated: 2026-02-04. Review status: criteria provided, single submitter. Criteria: Invitae Variant Classification Sherloc (09022015). Collection method: clinical testing. Allele origin: germline.

GeneDx
Classification: Benign. Last evaluated: 2021-06-09. Review status: criteria provided, single submitter. Criteria: GeneDx Variant Classification Process June 2021. Collection method: clinical testing. Allele origin: germline. Affected: yes.

Illumina Laboratory Services, Illumina
Classification: Benign for Spondylocostal dysostosis 2, autosomal recessive. Last evaluated: 2018-01-13. Review status: criteria provided, single submitter. Criteria: ICSL Variant Classification Criteria 13 December 2019. Collection method: clinical testing. Allele origin: germline.
Comment: This variant was observed in the ICSL laboratory as part of a predisposition screen in an ostensibly healthy population. It had not been previously curated by ICSL or reported in the Human Gene Mutation Database (HGMD: prior to June 1st, 2018), and was therefore a candidate for classification through an automated scoring system. Utilizing variant allele frequency, disease prevalence and penetrance estimates, and inheritance mode, an automated score was calculated to assess if this variant is too frequent to cause the disease. Based on the score and internal cut-off values, a variant classified as benign is not then subjected to further curation. The score for this variant resulted in a classification of benign for this disease.

Breakthrough Genomics
Classification: Benign. Review status: criteria provided, single submitter. Criteria: ACMG Guidelines, 2015. Collection method: not provided. Allele origin: germline. Inheritance: Autosomal recessive inheritance. Affected: yes.

PreventionGenetics, part of Exact Sciences
Classification: Benign. Review status: criteria provided, single submitter. Criteria: ACMG Guidelines, 2015. Collection method: clinical testing. Allele origin: germline.

Natera, Inc.
Classification: Benign for Spondylocostal dysostosis type 2. Last evaluated: 2019-11-27. Review status: no assertion criteria provided. Collection method: clinical testing. Allele origin: germline. Not counted in ClinVar's aggregate classification.

NM_001039958.2(MESP2):c.412G>A (p.Val138Met)

Gene: MESP2 (mesoderm posterior bHLH transcription factor 2; plus strand). Cytogenetic location: 15q26.1.
Variant type: single nucleotide variant.
Coding change: c.412G>A on transcript NM_001039958.2 (MANE Select); coding-DNA position 412, G replaced by A.
Protein change: p.Val138Met; replaces valine 138 with methionine.
Molecular consequence: missense variant.
Genome position (GRCh38, 1-based): chr15:89,776,769, G>A. VCF-style: chr15-89776769-G-A. GRCh37 (hg19) VCF-style: chr15-90320000-G-A.
Other names: short protein forms V138M.
Identifiers: ClinVar variation 257239 (VCV000257239.19), dbSNP rs28462216, ClinGen allele CA7730418.
Genomic context (GRCh38, chr15:89,776,769, plus strand): 5'-AGCCTGACCAAGATCGAGACGCTGCGCCTGGCCATCCGCTACATCGGCCACCTATCGGCC[G>A]TGCTGGGTCTCAGCGAGGAGAGTCTGCAGTGCCGGCGCAGGCAGCGCGGGGACGCGGGGT-3'
Protein context (NP_001035047.1, residues 128-148): AIRYIGHLSA[Val138Met]LGLSEESLQC